The following is an entry in ClinVar:

NM_000155.4(GALT):c.*5G>A

Gene: GALT (galactose-1-phosphate uridylyltransferase; plus strand). Cytogenetic location: 9p13.3.
Variant type: single nucleotide variant.
Coding change: c.*5G>A on transcript NM_000155.4 (MANE Select); 5 bases downstream of the stop codon, G replaced by A.
Molecular consequence: 3 prime UTR variant.
Genome position (GRCh38, 1-based): chr9:34,650,454, G>A. VCF-style: chr9-34650454-G-A. GRCh37 (hg19) VCF-style: chr9-34650451-G-A.
Other names: c.*5G>A (NM_001258332.2).
Identifiers: ClinVar variation 3058552 (VCV003058552.2), dbSNP rs367645021, ClinGen allele CA192671411.
Genomic context (GRCh38, chr9:34,650,454, plus strand): 5'-CTGAGGTTCATTACCACCTGGGGCAGAAGGACAGGGAGACAGCAACCATCGCCTGACCAC[G>A]CCGACCACAGGGCCTTGAATCCTTTTTTGTTTTCAACAGTCTTGCTGAATTAAGCAGAAA-3'

ClinVar aggregate classification (germline): Likely benign (0 of 4 stars; one submission).

Conditions:
GALT-related disorder. Also called: GALT-related condition.

Allele frequency attached by ClinVar (database versions not stated): gnomAD exomes 0.00001; gnomAD 0.00002; TOPMed 0.00002; ESP Exome Variant Server 0.00008.
gnomAD v4.1: 12 of 1,613,476 alleles (0.00074%); highest among the groups gnomAD compares: Admixed American, 0.0067%; no homozygotes.

Submission:

PreventionGenetics, part of Exact Sciences
Classification: Likely benign for GALT-related condition. Last evaluated: 2021-11-10. Review status: no assertion criteria provided. Collection method: clinical testing. Allele origin: germline.
Comment: This variant is classified as likely benign based on ACMG/AMP sequence variant interpretation guidelines (Richards et al. 2015 PMID: 25741868, with internal and published modifications).